The following is an entry in ClinVar:

NM_006939.4(SOS2):c.1153A>G (p.Met385Val)

Gene: SOS2 (SOS Ras/Rho guanine nucleotide exchange factor 2; minus strand). Cytogenetic location: 14q21.3.
Variant type: single nucleotide variant.
Coding change: c.1153A>G on transcript NM_006939.4 (MANE Select); coding-DNA position 1153, A replaced by G.
Protein change: p.Met385Val; replaces methionine 385 with valine.
Molecular consequence: missense variant.
Genome position (GRCh38, 1-based): chr14:50,161,525, T>C on the plus strand (A>G on the coding strand, the complement: SOS2 is on the minus strand). VCF-style: chr14-50161525-T-C. GRCh37 (hg19) VCF-style: chr14-50628243-T-C.
Other names: c.1054A>G, p.Met352Val (NM_001411020.1); short protein forms M352V, M385V.
Identifiers: ClinVar variation 2198860 (VCV002198860.4), dbSNP rs2503002248, ClinGen allele CA389646449.

ClinVar aggregate classification (germline): Uncertain significance (1 of 4 stars; one submission).

Conditions:
Noonan syndrome 9 (NS9). Identifiers: Orphanet 648, MedGen C4225282, MONDO:0014691, OMIM 616559.

Allele frequency attached by ClinVar (database versions not stated): gnomAD exomes below 0.00001.
gnomAD v4.1: 6 of 1,613,396 alleles (0.00037%); highest among the groups gnomAD compares: South Asian, 0.0011%; no homozygotes.

Submission:

Labcorp Genetics (formerly Invitae), Labcorp
Classification: Uncertain significance for Noonan syndrome 9. Last evaluated: 2022-02-27. Review status: criteria provided, single submitter. Criteria: Invitae Variant Classification Sherloc (09022015). Collection method: clinical testing. Allele origin: germline.
Comment: This variant is not present in population databases (gnomAD no frequency). This variant has not been reported in the literature in individuals affected with SOS2-related conditions. Algorithms developed to predict the effect of missense changes on protein structure and function (SIFT, PolyPhen-2, Align-GVGD) all suggest that this variant is likely to be tolerated. In summary, the available evidence is currently insufficient to determine the role of this variant in disease. Therefore, it has been classified as a Variant of Uncertain Significance. This sequence change replaces methionine, which is neutral and non-polar, with valine, which is neutral and non-polar, at codon 385 of the SOS2 protein (p.Met385Val).